The following is an entry in ClinVar:

ClinVar aggregate classification (germline): Uncertain significance. Review status: criteria provided, single submitter (1 of 4 stars). 2 submissions from 2 submitters: Uncertain significance (1). 1 of the submissions does not count toward it. Last evaluated 2022-06-08.

Conditions:
SBDS-related disorder. Also called: SBDS-related condition.
Inborn genetic diseases. Identifiers: MedGen C0950123, MeSH D030342.

Allele frequency attached by ClinVar (database versions not stated): TOPMed 0.00003; gnomAD exomes 0.00005; ExAC 0.00010; gnomAD 0.00010.

Submissions (2):

Ambry Genetics
Classification: Uncertain significance for Inborn genetic diseases. Last evaluated: 2022-06-08. Review status: criteria provided, single submitter. Criteria: Ambry Variant Classification Scheme 2023. Collection method: clinical testing. Allele origin: germline.
Comment: The p.G24R variant (also known as c.70G>A), located in coding exon 1 of the SBDS gene, results from a G to A substitution at nucleotide position 70. The glycine at codon 24 is replaced by arginine, an amino acid with dissimilar properties. This amino acid position is conserved. In addition, this alteration is predicted to be deleterious by in silico analysis. Since supporting evidence is limited at this time, the clinical significance of this alteration remains unclear.

PreventionGenetics, part of Exact Sciences
Classification: Uncertain significance for SBDS-related condition. Last evaluated: 2024-07-25. Review status: no assertion criteria provided. Collection method: clinical testing. Allele origin: germline. Not counted in ClinVar's aggregate classification.
Comment: The SBDS c.70G>A variant is predicted to result in the amino acid substitution p.Gly24Arg. To our knowledge, this variant has not been reported in the literature. This variant is reported in 0.036% of alleles in individuals of South Asian descent in gnomAD. At this time, the clinical significance of this variant is uncertain due to the absence of conclusive functional and genetic evidence.

NM_016038.4(SBDS):c.70G>A (p.Gly24Arg)

Gene: SBDS (SBDS ribosome maturation factor; minus strand). Cytogenetic location: 7q11.21.
Variant type: single nucleotide variant.
Coding change: c.70G>A on transcript NM_016038.4 (MANE Select); coding-DNA position 70, G replaced by A.
Protein change: p.Gly24Arg; replaces glycine 24 with arginine.
Molecular consequence: missense variant.
Genome position (GRCh38, 1-based): chr7:66,995,348, C>T on the plus strand (G>A on the coding strand, the complement: SBDS is on the minus strand). VCF-style: chr7-66995348-C-T. GRCh37 (hg19) VCF-style: chr7-66460335-C-T.
Other names: short protein forms G24R.
Identifiers: ClinVar variation 1757172 (VCV001757172.3), dbSNP rs749830607, ClinGen allele CA4279270.